The following is an entry in ClinVar:

NC_000022.10:g.(?_38097373)_(39306081_?)del

Genes: ANKRD54 (ankyrin repeat domain 54; minus strand), BAIAP2L2 (BAR/IMD domain containing adaptor protein 2 like 2; minus strand), C22orf23 (chromosome 22 open reading frame 23; minus strand), CBX6 (chromobox 6; minus strand), CBY1 (chibby 1, beta catenin antagonist; plus strand) and 26 more. Cytogenetic location: 22q13.1.
Variant type: Deletion.
Identifiers: ClinVar variation 2423540 (VCV002423540.3).

ClinVar aggregate classification (germline): Pathogenic (1 of 4 stars; one submission).

Submission:

Labcorp Genetics (formerly Invitae), Labcorp
Classification: Pathogenic. Last evaluated: 2022-06-17. Review status: criteria provided, single submitter. Criteria: Invitae Variant Classification Sherloc (09022015). Collection method: clinical testing. Allele origin: germline.
Comment: A gross deletion of the genomic region encompassing the full coding sequence of the TRIOBP gene has been identified. Loss-of-function variants in TRIOBP are known to be pathogenic (PMID: 16385457, 16385458, 20510926). The boundaries of this event are unknown as they extend beyond the assayed region for this gene and therefore may encompass additional genes. This variant has not been reported in the literature in individuals affected with TRIOBP-related conditions. For these reasons, this variant has been classified as Pathogenic.

Literature cited by the submitters: PubMed 16385457; PubMed 16385458; PubMed 20510926.